The following is an entry in ClinVar:

ClinVar aggregate classification (germline): Uncertain significance (1 of 4 stars; one submission).

Conditions:
SLC24A4-related disorder. Also called: SLC24A4-related condition.

gnomAD v4.1: 25 of 1,614,200 alleles (0.0015%); highest among the groups gnomAD compares: Non-Finnish European, 0.0016%; no homozygotes.

Submission:

PreventionGenetics, part of Exact Sciences
Classification: Uncertain significance for SLC24A4-related condition. Last evaluated: 2026-01-23. Review status: criteria provided, single submitter. Criteria: ACMG Guidelines, 2015. Collection method: clinical testing. Allele origin: germline.
Comment: The SLC24A4 c.1753C>T variant is predicted to result in the amino acid substitution p.Arg585Trp. To our knowledge, this variant has not been reported in the literature. This variant is reported in 0.0033% of alleles in individuals of South Asian descent in gnomAD. At this time, the clinical significance of this variant is uncertain due to the absence of conclusive functional and genetic evidence.

NM_153646.4(SLC24A4):c.1753C>T (p.Arg585Trp)

Gene: SLC24A4 (solute carrier family 24 member 4; plus strand). Cytogenetic location: 14q32.12.
Variant type: single nucleotide variant.
Coding change: c.1753C>T on transcript NM_153646.4 (MANE Select); coding-DNA position 1753, C replaced by T.
Protein change: p.Arg585Trp; replaces arginine 585 with tryptophan.
Molecular consequence: missense variant.
Genome position (GRCh38, 1-based): chr14:92,493,512, C>T. VCF-style: chr14-92493512-C-T. GRCh37 (hg19) VCF-style: chr14-92959856-C-T.
Other names: c.1753C>T, p.Arg585Trp (NM_001378620.1); c.1696C>T, p.Arg566Trp (NM_001425254.1, NM_153647.4); c.1561C>T, p.Arg521Trp (NM_153648.4); short protein forms R585W, R521W, R566W.
Identifiers: ClinVar variation 4983066 (VCV004983066.1).